The following is an entry in ClinVar:

ClinVar aggregate classification (germline): Uncertain significance (1 of 4 stars; one submission).

gnomAD v4.1: 8 of 1,614,126 alleles (0.0005%); highest among the groups gnomAD compares: Admixed American, 0.0067%; no homozygotes.

Submission:

Labcorp Genetics (formerly Invitae), Labcorp
Classification: Uncertain significance. Last evaluated: 2024-03-06. Review status: criteria provided, single submitter. Criteria: Invitae Variant Classification Sherloc (09022015). Collection method: clinical testing. Allele origin: germline.
Comment: This sequence change replaces proline, which is neutral and non-polar, with serine, which is neutral and polar, at codon 18 of the FGF9 protein (p.Pro18Ser). This variant is present in population databases (rs774583506, gnomAD 0.01%). This variant has not been reported in the literature in individuals affected with FGF9-related conditions. An algorithm developed to predict the effect of missense changes on protein structure and function (PolyPhen-2) suggests that this variant is likely to be tolerated. In summary, the available evidence is currently insufficient to determine the role of this variant in disease. Therefore, it has been classified as a Variant of Uncertain Significance.

NM_002010.3(FGF9):c.52C>T (p.Pro18Ser)

Gene: FGF9 (fibroblast growth factor 9; plus strand). Cytogenetic location: 13q12.11.
Variant type: single nucleotide variant.
Coding change: c.52C>T on transcript NM_002010.3 (MANE Select); coding-DNA position 52, C replaced by T.
Protein change: p.Pro18Ser; replaces proline 18 with serine.
Molecular consequence: missense variant.
Genome position (GRCh38, 1-based): chr13:21,671,964, C>T. VCF-style: chr13-21671964-C-T. GRCh37 (hg19) VCF-style: chr13-22246103-C-T.
Other names: short protein forms P18S.
Identifiers: ClinVar variation 3712374 (VCV003712374.2).